The following is an entry in ClinVar:

NM_003803.4(MYOM1):c.4693G>A (p.Ala1565Thr)

Gene: MYOM1 (myomesin 1; minus strand). Cytogenetic location: 18p11.31.
Variant type: single nucleotide variant.
Coding change: c.4693G>A on transcript NM_003803.4 (MANE Select); coding-DNA position 4693, G replaced by A.
Protein change: p.Ala1565Thr; replaces alanine 1565 with threonine.
Molecular consequence: missense variant.
Genome position (GRCh38, 1-based): chr18:3,075,469, C>T on the plus strand (G>A on the coding strand, the complement: MYOM1 is on the minus strand). VCF-style: chr18-3075469-C-T. GRCh37 (hg19) VCF-style: chr18-3075467-C-T.
Other names: c.4405G>A, p.Ala1469Thr (NM_019856.2); short protein forms A1469T, A1565T.
Identifiers: ClinVar variation 1742491 (VCV001742491.2), dbSNP rs1478051539, ClinGen allele CA401707389.
Genomic context (GRCh38, chr18:3,075,469, plus strand): 5'-CTATCCCAGGAGTACTTGTGAAAAGTAAAAAAAAAGTTTACTTACTTTTCTCGGCAATGG[C>T]AGCTTGTCTGTGGTTGAGAGAAACGAACAAACAGACGAAGAATTTTGTGTTAGTGTTACT-3'
Protein context (NP_003794.3, residues 1555-1575): YAEFQRLKQA[Ala1565Thr]IAEKNRARVL

ClinVar aggregate classification (germline): Uncertain significance (1 of 4 stars; one submission).

Allele frequency attached by ClinVar (database versions not stated): gnomAD exomes below 0.00001; gnomAD 0.00001.
gnomAD v4.1: 4 of 1,609,226 alleles (0.00025%); highest among the groups gnomAD compares: East Asian, 0.0022%; no homozygotes.

Submission:

Ambry Genetics
Classification: Uncertain significance. Last evaluated: 2022-03-23. Review status: criteria provided, single submitter. Criteria: Ambry Variant Classification Scheme 2023. Collection method: clinical testing. Allele origin: germline.
Comment: The p.A1565T variant (also known as c.4693G>A), located in coding exon 35 of the MYOM1 gene, results from a G to A substitution at nucleotide position 4693. The alanine at codon 1565 is replaced by threonine, an amino acid with similar properties. This amino acid position is conserved. In addition, the in silico prediction for this alteration is inconclusive. Since supporting evidence is limited at this time, the clinical significance of this alteration remains unclear.